The following is an entry in ClinVar:

NM_000400.4(ERCC2):c.1922G>A (p.Arg641Gln)

Gene: ERCC2 (ERCC excision repair 2, TFIIH core complex helicase subunit; minus strand). Cytogenetic location: 19q13.32.
Variant type: single nucleotide variant.
Coding change: c.1922G>A on transcript NM_000400.4 (MANE Select); coding-DNA position 1922, G replaced by A.
Protein change: p.Arg641Gln; replaces arginine 641 with glutamine.
Molecular consequence: missense variant.
Genome position (GRCh38, 1-based): chr19:45,352,630, C>T on the plus strand (G>A on the coding strand, the complement: ERCC2 is on the minus strand). VCF-style: chr19-45352630-C-T. GRCh37 (hg19) VCF-style: chr19-45855888-C-T.
Other names: short protein forms R641Q.
Identifiers: ClinVar variation 2081841 (VCV002081841.2), dbSNP rs747476170, ClinGen allele CA9512971.

ClinVar aggregate classification (germline): Uncertain significance. Review status: criteria provided, multiple submitters, no conflicts (2 of 4 stars). 2 submissions from 2 submitters: Uncertain significance (2). Last evaluated 2022-09-27.

Conditions:
Inborn genetic diseases. Identifiers: MedGen C0950123, MeSH D030342.

Allele frequency attached by ClinVar (database versions not stated): TOPMed below 0.00001; ExAC 0.00001; gnomAD 0.00001.
gnomAD v4.1: 14 of 1,613,780 alleles (0.00087%); highest among the groups gnomAD compares: Admixed American, 0.0033%; no homozygotes.

Submissions (2):

Labcorp Genetics (formerly Invitae), Labcorp
Classification: Uncertain significance. Last evaluated: 2022-09-27. Review status: criteria provided, single submitter. Criteria: Invitae Variant Classification Sherloc (09022015). Collection method: clinical testing. Allele origin: germline.
Comment: This sequence change replaces arginine, which is basic and polar, with glutamine, which is neutral and polar, at codon 641 of the ERCC2 protein (p.Arg641Gln). This variant is present in population databases (rs747476170, gnomAD 0.004%). This variant has not been reported in the literature in individuals affected with ERCC2-related conditions. Advanced modeling of protein sequence and biophysical properties (such as structural, functional, and spatial information, amino acid conservation, physicochemical variation, residue mobility, and thermodynamic stability) performed at Invitae indicates that this missense variant is not expected to disrupt ERCC2 protein function. Algorithms developed to predict the effect of sequence changes on RNA splicing suggest that this variant may create or strengthen a splice site. In summary, the available evidence is currently insufficient to determine the role of this variant in disease. Therefore, it has been classified as a Variant of Uncertain Significance.

Ambry Genetics
Classification: Uncertain significance for Inborn genetic diseases. Last evaluated: 2021-03-09. Review status: criteria provided, single submitter. Criteria: Ambry Variant Classification Scheme 2023. Collection method: clinical testing. Allele origin: germline.
Comment: The c.1922G>A (p.R641Q) alteration is located in exon 21 (coding exon 21) of the ERCC2 gene. This alteration results from a G to A substitution at nucleotide position 1922, causing the arginine (R) at amino acid position 641 to be replaced by a glutamine (Q). The in silico prediction for the p.R641Q alteration is inconclusive. Based on insufficient or conflicting evidence, the clinical significance of this alteration remains unclear.